The following is an entry in ClinVar:

NM_031308.4(EPPK1):c.3492C>T (p.Asp1164=)

Gene: EPPK1 (epiplakin 1; minus strand). Cytogenetic location: 8q24.3.
Variant type: single nucleotide variant.
Coding change: c.3492C>T on transcript NM_031308.4 (MANE Select); coding-DNA position 3492, C replaced by T.
Protein change: p.Asp1164=; no amino-acid change (aspartic acid 1164 retained).
Molecular consequence: synonymous variant.
Genome position (GRCh38, 1-based): chr8:143,869,762, G>A on the plus strand (C>T on the coding strand, the complement: EPPK1 is on the minus strand). VCF-style: chr8-143869762-G-A. GRCh37 (hg19) VCF-style: chr8-144943930-G-A.
Identifiers: ClinVar variation 3052192 (VCV003052192.2), dbSNP rs373279236, ClinGen allele CA4922760.

ClinVar aggregate classification (germline): Likely benign (0 of 4 stars; one submission).

Conditions:
EPPK1-related disorder. Also called: EPPK1-related condition.

Allele frequency attached by ClinVar (database versions not stated): ESP Exome Variant Server 0.00039.
gnomAD v4.1: 406 of 1,602,906 alleles (0.025%); highest among the groups gnomAD compares: Admixed American, 0.058%; 1 homozygote.

Submission:

PreventionGenetics, part of Exact Sciences
Classification: Likely benign for EPPK1-related condition. Last evaluated: 2021-05-06. Review status: no assertion criteria provided. Collection method: clinical testing. Allele origin: germline.
Comment: This variant is classified as likely benign based on ACMG/AMP sequence variant interpretation guidelines (Richards et al. 2015 PMID: 25741868, with internal and published modifications).